The following is an entry in ClinVar:

NM_001134407.3(GRIN2A):c.3588G>C (p.Lys1196Asn)

Gene: GRIN2A (glutamate ionotropic receptor NMDA type subunit 2A; minus strand). Cytogenetic location: 16p13.2.
Variant type: single nucleotide variant.
Coding change: c.3588G>C on transcript NM_001134407.3 (MANE Select); coding-DNA position 3588, G replaced by C.
Protein change: p.Lys1196Asn; replaces lysine 1196 with asparagine.
Molecular consequence: missense variant.
Genome position (GRCh38, 1-based): chr16:9,763,956, C>G on the plus strand (G>C on the coding strand, the complement: GRIN2A is on the minus strand). VCF-style: chr16-9763956-C-G. GRCh37 (hg19) VCF-style: chr16-9857813-C-G.
Other names: c.3588G>C, p.Lys1196Asn (NM_000833.5, NM_001134408.2); short protein forms K1196N.
Identifiers: ClinVar variation 5010022 (VCV005010022.1).
Genomic context (GRCh38, chr16:9,763,956, plus strand): 5'-GCTTCTGCAGTGCGTGGAGTTCTGCCGGTATCGCTCGCTGGTCTCACTGTGCGGGGAACC[C>G]TTGTCTTTCAAGGTGAAGTGCTTGGAGTAGAGTTTATACTGGTCGTTGTTGGAAAGCCCC-3'
Protein context (NP_001127879.1, residues 1186-1206): LYSKHFTLKD[Lys1196Asn]GSPHSETSER

ClinVar aggregate classification (germline): Uncertain significance (1 of 4 stars; one submission).

Submission:

GeneDx
Classification: Uncertain significance. Last evaluated: 2026-02-23. Review status: criteria provided, single submitter. Criteria: GeneDx Variant Classification Process June 2021. Collection method: clinical testing. Allele origin: germline.
Comment: Not observed at significant frequency in large population cohorts (gnomAD); In silico analysis suggests that this missense variant does not alter protein structure/function; Has not been previously published as pathogenic or benign to our knowledge